The following is an entry in ClinVar:

ClinVar aggregate classification (germline): Uncertain significance (1 of 4 stars; one submission).

Allele frequency attached by ClinVar (database versions not stated): gnomAD 0.00001; ExAC 0.00002.

Submission:

Labcorp Genetics (formerly Invitae), Labcorp
Classification: Uncertain significance. Last evaluated: 2022-02-08. Review status: criteria provided, single submitter. Criteria: Invitae Variant Classification Sherloc (09022015). Collection method: clinical testing. Allele origin: germline.
Comment: In summary, the available evidence is currently insufficient to determine the role of this variant in disease. Therefore, it has been classified as a Variant of Uncertain Significance. Algorithms developed to predict the effect of missense changes on protein structure and function output the following: SIFT: "Tolerated"; PolyPhen-2: "Benign"; Align-GVGD: "Class C0". The threonine amino acid residue is found in multiple mammalian species, which suggests that this missense change does not adversely affect protein function. This variant has not been reported in the literature in individuals affected with ESPN-related conditions. The frequency data for this variant in the population databases is considered unreliable, as metrics indicate poor data quality at this position in the gnomAD database. This sequence change replaces proline, which is neutral and non-polar, with threonine, which is neutral and polar, at codon 430 of the ESPN protein (p.Pro430Thr).

NM_031475.3(ESPN):c.1288C>A (p.Pro430Thr)

Gene: ESPN (espin; plus strand). Cytogenetic location: 1p36.31.
Variant type: single nucleotide variant.
Coding change: c.1288C>A on transcript NM_031475.3 (MANE Select); coding-DNA position 1288, C replaced by A.
Protein change: p.Pro430Thr; replaces proline 430 with threonine.
Molecular consequence: missense variant.
Genome position (GRCh38, 1-based): chr1:6,445,759, C>A. VCF-style: chr1-6445759-C-A. GRCh37 (hg19) VCF-style: chr1-6505819-C-A.
Other names: c.1288C>A, p.Pro430Thr (NM_001367473.1, NM_001367474.1); short protein forms P430T.
Identifiers: ClinVar variation 2064789 (VCV002064789.4), dbSNP rs771831644, ClinGen allele CA560181.
Genomic context (GRCh38, chr1:6,445,759, plus strand): 5'-TACATGGACATGCTGAACCCGGAGCTGGGCCTGCCTCGGGGCACGATTGGGAAGCCCACA[C>A]CCCCACCACCCCCACCCAGCTTCCCCCCGCCACCCCCGCCCCCAGGCACCCAACTGCCCC-3'
Protein context (NP_113663.2, residues 420-440): LPRGTIGKPT[Pro430Thr]PPPPPSFPPP